The following is an entry in ClinVar:

ClinVar aggregate classification (germline): Conflicting classifications of pathogenicity. Review status: criteria provided, conflicting classifications (1 of 4 stars). 5 submissions from 4 submitters: Uncertain significance (2); Benign (2); Likely benign (1). Last evaluated 2026-01-05.

Conditions:
VCAN-related disorder. Also called: VCAN-related condition.
Wagner disease. Also called: WAGNER SYNDROME 1; HYALOIDEORETINAL DEGENERATION OF WAGNER; Wagner syndrome; WAGNER VITREORETINOPATHY; WAGNER VITREORETINAL DEGENERATION; Wagner Vitreoretinal Degeneration (Wagner Synrdome). Identifiers: Orphanet 898, MedGen C1840452, MONDO:0007740, OMIM 143200.
Vitreoretinopathy. Also called: Vitreoretinal degeneration. Identifiers: MedGen C0344290, MONDO:0020248, HP:0007773.

Allele frequency attached by ClinVar (database versions not stated): ExAC 0.00002; gnomAD exomes 0.00005 and 0.00006; ESP Exome Variant Server 0.00008; gnomAD 0.00017 and 0.00019; 1000 Genomes Project 0.00020; 1000 Genomes Project 30x 0.00031; TOPMed 0.00045.
gnomAD v4.1: 97 of 1,614,128 alleles (0.006%); highest among the groups gnomAD compares: Admixed American, 0.075%; no homozygotes.

Submissions (5):

Labcorp Genetics (formerly Invitae), Labcorp
Classification: Uncertain significance. Last evaluated: 2026-01-05. Review status: criteria provided, single submitter. Criteria: Invitae Variant Classification Sherloc (09022015). Collection method: clinical testing. Allele origin: germline.
Comment: This sequence change replaces proline, which is neutral and non-polar, with serine, which is neutral and polar, at codon 54 of the VCAN protein (p.Pro54Ser). This variant is present in population databases (rs140063016, gnomAD 0.03%). This missense change has been observed in individuals with clinical features of retinitis pigmentosa (internal data). ClinVar contains an entry for this variant (Variation ID: 860846). An algorithm developed to predict the effect of missense changes on protein structure and function (PolyPhen-2) suggests that this variant is likely to be disruptive. In summary, the available evidence is currently insufficient to determine the role of this variant in disease. Therefore, it has been classified as a Variant of Uncertain Significance.

PreventionGenetics, part of Exact Sciences
Classification: Uncertain significance for VCAN-related condition. Last evaluated: 2025-12-04. Review status: criteria provided, single submitter. Criteria: ACMG Guidelines, 2015. Collection method: clinical testing. Allele origin: germline.
Comment: The VCAN c.160C>T variant is predicted to result in the amino acid substitution p.Pro54Ser. To our knowledge, this variant has not been reported in the literature. This variant is reported in 0.031% of alleles in individuals of Latino descent in gnomAD. Although we suspect that this variant may be benign, at this time, the clinical significance of this variant is uncertain due to the absence of conclusive functional and genetic evidence.

Blueprint Genetics
Classification: Likely benign. Last evaluated: 2024-07-14. Review status: criteria provided, single submitter. Criteria: ACMG Guidelines, 2015. Collection method: clinical testing. Allele origin: germline.

Illumina Laboratory Services, Illumina
Classification: Benign for Wagner disease. Last evaluated: 2018-01-12. Review status: criteria provided, single submitter. Criteria: ICSL Variant Classification Criteria 13 December 2019. Collection method: clinical testing. Allele origin: germline.
Comment: This variant was observed in the ICSL laboratory as part of a predisposition screen in an ostensibly healthy population. It had not been previously curated by ICSL or reported in the Human Gene Mutation Database (HGMD: prior to June 1st, 2018), and was therefore a candidate for classification through an automated scoring system. Utilizing variant allele frequency, disease prevalence and penetrance estimates, and inheritance mode, an automated score was calculated to assess if this variant is too frequent to cause the disease. Based on the score and internal cut-off values, a variant classified as benign is not then subjected to further curation. The score for this variant resulted in a classification of benign for this disease.

Illumina Laboratory Services, Illumina
Classification: Benign for Vitreoretinopathy. Last evaluated: 2018-01-12. Review status: criteria provided, single submitter. Criteria: ICSL Variant Classification Criteria 13 December 2019. Collection method: clinical testing. Allele origin: germline.
Comment: the same text as in the submission from Illumina Laboratory Services, Illumina above.

NM_004385.5(VCAN):c.160C>T (p.Pro54Ser)

Gene: VCAN (versican; plus strand). Cytogenetic location: 5q14.2.
Variant type: single nucleotide variant.
Coding change: c.160C>T on transcript NM_004385.5 (MANE Select); coding-DNA position 160, C replaced by T.
Protein change: p.Pro54Ser; replaces proline 54 with serine.
Molecular consequence: missense variant.
Genome position (GRCh38, 1-based): chr5:83,490,187, C>T. VCF-style: chr5-83490187-C-T. GRCh37 (hg19) VCF-style: chr5-82786006-C-T.
Other names: c.160C>T, p.Pro54Ser (NM_001126336.3, NM_001164097.2, NM_001164098.2); short protein forms P54S.
Identifiers: ClinVar variation 860846 (VCV000860846.13), dbSNP rs140063016, ClinGen allele CA3332407.